The following is an entry in ClinVar:

NM_015311.3(OBSL1):c.1941G>T (p.Trp647Cys)

Gene: OBSL1 (obscurin like cytoskeletal adaptor 1; minus strand). Cytogenetic location: 2q35.
Variant type: single nucleotide variant.
Coding change: c.1941G>T on transcript NM_015311.3 (MANE Select); coding-DNA position 1941, G replaced by T.
Protein change: p.Trp647Cys; replaces tryptophan 647 with cysteine.
Molecular consequence: missense variant.
Genome position (GRCh38, 1-based): chr2:219,567,023, C>A on the plus strand (G>T on the coding strand, the complement: OBSL1 is on the minus strand). VCF-style: chr2-219567023-C-A. GRCh37 (hg19) VCF-style: chr2-220431745-C-A.
Other names: c.1941G>T, p.Trp647Cys (NM_001173408.2, NM_001173431.2); short protein forms W647C.
Identifiers: ClinVar variation 2627979 (VCV002627979.1), dbSNP rs1314702138, ClinGen allele CA350754756.

ClinVar aggregate classification (germline): Uncertain significance (1 of 4 stars; one submission).

Conditions:
3M syndrome 2. Also called: 3-M Syndrome, OBSL1-Related; THREE M SYNDROME 2. Identifiers: Orphanet 2616, MedGen C2752041, MONDO:0013039, OMIM 612921.

Submission:

Neuberg Centre For Genomic Medicine, NCGM
Classification: Uncertain significance for 3M syndrome 2. Review status: criteria provided, single submitter. Criteria: ACMG Guidelines, 2015. Collection method: clinical testing. Allele origin: germline. Inheritance: Autosomal recessive inheritance. Affected: yes.
Comment: The missense variant in c.1941G>T in OBSL1 gene has not been reported previously as a pathogenic variant nor as a benign variant, to our knowledge. The p.Trp647Cys variant is novel (not in any individuals) in 1000 Genomes and has an allele frequency of 0.0004020% in gnomAD database. This variant has not been reported to the ClinVar database. The amino acid change p.Trp647Cys in OBSL1 is predicted as conserved by GERP++ and PhyloP across 100 vertebrates. The amino acid Trp at position 647 is changed to a Cys changing protein sequence and it might alter its composition and physico-chemical properties. For these reasons, this variant has been classified as Variant of Uncertain Significance (VUS).